The following is an entry in ClinVar:

ClinVar aggregate classification (germline): Benign. Review status: criteria provided, multiple submitters, no conflicts (2 of 4 stars). 2 submissions from 2 submitters: Benign (2). Last evaluated 2018-01-12.

Conditions:
Charcot-Marie-Tooth disease type 4B1. Also called: CHARCOT-MARIE-TOOTH DISEASE, AUTOSOMAL RECESSIVE, WITH FOCALLY FOLDED MYELIN SHEATHS, AUTOSOMAL RECESSIVE, TYPE 4B1; CHARCOT-MARIE-TOOTH DISEASE, TYPE 4B; Charcot-Marie-Tooth Neuropathy Type 4B1; CHARCOT-MARIE-TOOTH DISEASE, DEMYELINATING, TYPE 4B1. Identifiers: Orphanet 99955, MedGen C1832399, MONDO:0011066, OMIM 601382.

Allele frequency attached by ClinVar (database versions not stated): 1000 Genomes Project 30x 0.19785; 1000 Genomes Project 0.20208; TOPMed 0.27426; gnomAD 0.27729; gnomAD exomes 0.29664.
gnomAD v4.1: 44,267 of 160,084 alleles (28%); highest among the groups gnomAD compares: Non-Finnish European, 38%; 7,403 homozygotes.

Submissions (2):

Illumina Laboratory Services, Illumina
Classification: Benign for Charcot-Marie-Tooth disease type 4B1. Last evaluated: 2018-01-12. Review status: criteria provided, single submitter. Criteria: ICSL Variant Classification Criteria 13 December 2019. Collection method: clinical testing. Allele origin: germline.
Comment: This variant was observed in the ICSL laboratory as part of a predisposition screen in an ostensibly healthy population. It had not been previously curated by ICSL or reported in the Human Gene Mutation Database (HGMD: prior to June 1st, 2018), and was therefore a candidate for classification through an automated scoring system. Utilizing variant allele frequency, disease prevalence and penetrance estimates, and inheritance mode, an automated score was calculated to assess if this variant is too frequent to cause the disease. Based on the score and internal cut-off values, a variant classified as benign is not then subjected to further curation. The score for this variant resulted in a classification of benign for this disease.

Breakthrough Genomics
Classification: Benign. Review status: criteria provided, single submitter. Criteria: ACMG Guidelines, 2015. Collection method: not provided. Allele origin: germline. Inheritance: Autosomal recessive inheritance. Affected: yes.

NM_016156.6(MTMR2):c.*549G>A

Gene: MTMR2 (myotubularin related protein 2; minus strand). Cytogenetic location: 11q21.
Variant type: single nucleotide variant.
Coding change: c.*549G>A on transcript NM_016156.6 (MANE Select); 549 bases downstream of the stop codon, G replaced by A.
Molecular consequence: 3 prime UTR variant.
Genome position (GRCh38, 1-based): chr11:95,834,741, C>T on the plus strand (G>A on the coding strand, the complement: MTMR2 is on the minus strand). VCF-style: chr11-95834741-C-T. GRCh37 (hg19) VCF-style: chr11-95567905-C-T.
Other names: c.*549G>A (NM_001243571.2, NM_201278.3, NM_201281.3).
Identifiers: ClinVar variation 306527 (VCV000306527.6), dbSNP rs611020, ClinGen allele CA10639725.